The following is an entry in ClinVar:

ClinVar aggregate classification (germline): Uncertain significance (1 of 4 stars; one submission).

Conditions:
Long QT syndrome (LQTS). Identifiers: MedGen C0023976, MeSH D008133, MONDO:0002442. Disease mechanism: loss of function. Inheritance: Various modes of inheritance.

Submission:

Labcorp Genetics (formerly Invitae), Labcorp
Classification: Uncertain significance for Long QT syndrome. Last evaluated: 2025-07-06. Review status: criteria provided, single submitter. Criteria: Invitae Variant Classification Sherloc (09022015). Collection method: clinical testing. Allele origin: germline.
Comment: This sequence change replaces glutamic acid, which is acidic and polar, with aspartic acid, which is acidic and polar, at codon 942 of the KCNH2 protein (p.Glu942Asp). This variant is not present in population databases (gnomAD no frequency). This variant has not been reported in the literature in individuals affected with KCNH2-related conditions. An algorithm developed to predict the effect of missense changes on protein structure and function outputs the following: PolyPhen-2: "Benign". The aspartic acid amino acid residue is found in multiple mammalian species, which suggests that this missense change does not adversely affect protein function. In summary, the available evidence is currently insufficient to determine the role of this variant in disease. Therefore, it has been classified as a Variant of Uncertain Significance.

NM_000238.4(KCNH2):c.2826G>T (p.Glu942Asp)

Gene: KCNH2 (potassium voltage-gated channel subfamily H member 2; minus strand). Cytogenetic location: 7q36.1.
Variant type: single nucleotide variant.
Coding change: c.2826G>T on transcript NM_000238.4 (MANE Select); coding-DNA position 2826, G replaced by T.
Protein change: p.Glu942Asp; replaces glutamic acid 942 with aspartic acid.
Molecular consequence: missense variant.
Genome position (GRCh38, 1-based): chr7:150,947,745, C>A on the plus strand (G>T on the coding strand, the complement: KCNH2 is on the minus strand). VCF-style: chr7-150947745-C-A. GRCh37 (hg19) VCF-style: chr7-150644833-C-A.
Other names: c.2538G>T, p.Glu846Asp (NM_001406753.1); c.1806G>T, p.Glu602Asp (NM_172057.3); short protein forms E602D, E942D, E846D.
Identifiers: ClinVar variation 4702907 (VCV004702907.1).
Genomic context (GRCh38, chr7:150,947,745, plus strand): 5'-CCTGGGGCTGGAGAAGGGCACCAGGCGGAGGGGGCTGGAGCTGCGGCCTGGGCCCTCATC[C>A]TCACTGCTCTCAGGGCTGGAGGGGCCACTGGACGGGCTCTCCCCCCACGGCCCCCCCGGC-3'
Protein context (NP_000229.1, residues 932-952): SSGPSSPESS[Glu942Asp]DEGPGRSSSP